The following is an entry in ClinVar:

ClinVar aggregate classification (germline): Uncertain significance (1 of 4 stars; one submission).

Allele frequency attached by ClinVar (database versions not stated): gnomAD 0.00001; 1000 Genomes Project 30x 0.00016.

Submission:

Labcorp Genetics (formerly Invitae), Labcorp
Classification: Uncertain significance. Last evaluated: 2025-02-03. Review status: criteria provided, single submitter. Criteria: Invitae Variant Classification Sherloc (09022015). Collection method: clinical testing. Allele origin: germline.
Comment: This sequence change replaces histidine, which is basic and polar, with glutamine, which is neutral and polar, at codon 402 of the SAMD11 protein (p.His402Gln). This variant is not present in population databases (gnomAD no frequency). This variant has not been reported in the literature in individuals affected with SAMD11-related conditions. ClinVar contains an entry for this variant (Variation ID: 2111291). An algorithm developed to predict the effect of missense changes on protein structure and function outputs the following: PolyPhen-2: "Benign". The glutamine amino acid residue is found in multiple mammalian species, which suggests that this missense change does not adversely affect protein function. In summary, the available evidence is currently insufficient to determine the role of this variant in disease. Therefore, it has been classified as a Variant of Uncertain Significance.

NM_001385641.1(SAMD11):c.1695C>G (p.His565Gln)

Gene: SAMD11 (sterile alpha motif domain containing 11; plus strand). Cytogenetic location: 1p36.33.
Variant type: single nucleotide variant.
Coding change: c.1695C>G on transcript NM_001385641.1 (MANE Select); coding-DNA position 1695, C replaced by G.
Protein change: p.His565Gln; replaces histidine 565 with glutamine.
Molecular consequence: missense variant.
Genome position (GRCh38, 1-based): chr1:942,700, C>G. VCF-style: chr1-942700-C-G. GRCh37 (hg19) VCF-style: chr1-878080-C-G.
Other names: c.1698C>G, p.His566Gln (NM_001385640.1); c.1206C>G, p.His402Gln (NM_152486.4); short protein forms H566Q, H402Q, H565Q.
Identifiers: ClinVar variation 2111291 (VCV002111291.4), dbSNP rs1467093930, ClinGen allele CA337809397.